The following is an entry in ClinVar:

NM_003803.4(MYOM1):c.3355A>C (p.Asn1119His)

Gene: MYOM1 (myomesin 1; minus strand). Cytogenetic location: 18p11.31.
Variant type: single nucleotide variant.
Coding change: c.3355A>C on transcript NM_003803.4 (MANE Select); coding-DNA position 3355, A replaced by C.
Protein change: p.Asn1119His; replaces asparagine 1119 with histidine.
Molecular consequence: missense variant.
Genome position (GRCh38, 1-based): chr18:3,112,361, T>G on the plus strand (A>C on the coding strand, the complement: MYOM1 is on the minus strand). VCF-style: chr18-3112361-T-G. GRCh37 (hg19) VCF-style: chr18-3112359-T-G.
Other names: c.3067A>C, p.Asn1023His (NM_019856.2); short protein forms N1119H, N1023H.
Identifiers: ClinVar variation 662213 (VCV000662213.9), dbSNP rs375222378, ClinGen allele CA8874325.
Genomic context (GRCh38, chr18:3,112,361, plus strand): 5'-GACGGGTCTCTGCCACAACAGGGCCAGCAAGGTCAGATGGCTTCCCAACTCCCGCCTGGT[T>G]TATGGCTCGAACACGGAACACGTAGCTGACGCCCTCCTTGAGGCCTCGAACCTGGTAGAA-3'
Protein context (NP_003794.3, residues 1109-1129): VSYVFRVRAI[Asn1119His]QAGVGKPSDL

ClinVar aggregate classification (germline): Uncertain significance. Review status: criteria provided, multiple submitters, no conflicts (2 of 4 stars). 2 submissions from 2 submitters: Uncertain significance (2). Last evaluated 2023-10-12.

Conditions:
Hypertrophic cardiomyopathy. Also called: HYPERTROPHIC MYOCARDIOPATHY. Identifiers: Orphanet 217569, MedGen C0007194, MeSH D002312, MONDO:0005045, HP:0001639.

Allele frequency attached by ClinVar (database versions not stated): gnomAD exomes below 0.00001; ExAC 0.00001; gnomAD 0.00001; TOPMed 0.00002; ESP Exome Variant Server 0.00008.
gnomAD v4.1: 3 of 1,612,718 alleles (0.00019%); highest among the groups gnomAD compares: Non-Finnish European, 0.00025%; no homozygotes.

Submissions (2):

Ambry Genetics
Classification: Uncertain significance. Last evaluated: 2023-10-12. Review status: criteria provided, single submitter. Criteria: Ambry Variant Classification Scheme 2023. Collection method: clinical testing. Allele origin: germline.
Comment: The p.N1119H variant (also known as c.3355A>C), located in coding exon 21 of the MYOM1 gene, results from an A to C substitution at nucleotide position 3355. The asparagine at codon 1119 is replaced by histidine, an amino acid with similar properties. This amino acid position is conserved. In addition, the in silico prediction for this alteration is inconclusive. Since supporting evidence is limited at this time, the clinical significance of this alteration remains unclear.

Labcorp Genetics (formerly Invitae), Labcorp
Classification: Uncertain significance for Hypertrophic cardiomyopathy. Last evaluated: 2018-11-17. Review status: criteria provided, single submitter. Criteria: Invitae Variant Classification Sherloc (09022015). Collection method: clinical testing. Allele origin: germline.
Comment: This variant has not been reported in the literature in individuals with MYOM1-related disease. Algorithms developed to predict the effect of missense changes on protein structure and function are either unavailable or do not agree on the potential impact of this missense change (SIFT: "Deleterious"; PolyPhen-2: "Probably Damaging"; Align-GVGD: "Class C0"). In summary, the available evidence is currently insufficient to determine the role of this variant in disease. Therefore, it has been classified as a Variant of Uncertain Significance. This sequence change replaces asparagine with histidine at codon 1119 of the MYOM1 protein (p.Asn1119His). The asparagine residue is moderately conserved and there is a small physicochemical difference between asparagine and histidine. This variant is present in population databases (rs375222378, ExAC 0.002%).